The following is an entry in ClinVar:

NM_007126.5(VCP):c.927C>T (p.Ile309=)

Gene: VCP (valosin containing protein; minus strand). Cytogenetic location: 9p13.3.
Variant type: single nucleotide variant.
Coding change: c.927C>T on transcript NM_007126.5 (MANE Select); coding-DNA position 927, C replaced by T.
Protein change: p.Ile309=; no amino-acid change (isoleucine 309 retained).
Molecular consequence: synonymous variant.
Genome position (GRCh38, 1-based): chr9:35,062,235, G>A on the plus strand (C>T on the coding strand, the complement: VCP is on the minus strand). VCF-style: chr9-35062235-G-A. GRCh37 (hg19) VCF-style: chr9-35062232-G-A.
Other names: c.792C>T, p.Ile264= (NM_001354927.2, NM_001354928.2).
Identifiers: ClinVar variation 366719 (VCV000366719.53), dbSNP rs34097935, ClinGen allele CA5039353.

ClinVar aggregate classification (germline): Benign/Likely benign. Review status: criteria provided, multiple submitters, no conflicts (2 of 4 stars). 9 submissions from 8 submitters: Benign (6); Likely benign (3). Last evaluated 2026-04-01.

Conditions:
Inclusion body myopathy with Paget disease of bone and frontotemporal dementia type 1. Also called: MULTISYSTEM PROTEINOPATHY 1; Inclusion body myopathy with early-onset Paget disease and frontotemporal dementia 1; Inclusion body myopathy with early-onset Paget disease with or without frontotemporal dementia 1. Identifiers: MedGen C4551951, MONDO:0008178, OMIM 167320.
Inborn genetic diseases. Identifiers: MedGen C0950123, MeSH D030342.
Inclusion body myopathy with Paget disease of bone and frontotemporal dementia. Also called: Inclusion body myopathy with early-onset Paget disease and frontotemporal dementia. Identifiers: Orphanet 52430, MedGen C1833662, MONDO:0000507.
Frontotemporal dementia and/or amyotrophic lateral sclerosis 6 (FTDALS6). Also called: VCP-Related Amyotrophic Lateral Sclerosis/Frontotemporal Dementia; VCP-Related Amyotrophic Lateral Sclerosis. Identifiers: Orphanet 275872, Orphanet 803, MedGen C5436279, MONDO:0013501, OMIM 613954.

Allele frequency attached by ClinVar (database versions not stated): 1000 Genomes Project 30x 0.00219; 1000 Genomes Project 0.00220; ESP Exome Variant Server 0.00223; gnomAD 0.00245 and 0.00270; gnomAD exomes 0.00029 and 0.00059; ExAC 0.00068; TOPMed 0.00271.
gnomAD v4.1: 826 of 1,614,082 alleles (0.051%); highest among the groups gnomAD compares: African/African-American, 0.86%; 4 homozygotes.

Submissions (9):

CeGaT Center for Human Genetics Tuebingen
Classification: Likely benign. Last evaluated: 2026-04-01. Review status: criteria provided, single submitter. Criteria: CeGaT Center For Human Genetics Tuebingen Variant Classification Criteria Version 2. Collection method: clinical testing. Allele origin: germline. Affected: yes. Observed: 1 variant allele.
Comment: VCP: BP4, BP7, BS1

Labcorp Genetics (formerly Invitae), Labcorp
Classification: Benign for Inclusion body myopathy with Paget disease of bone and frontotemporal dementia; Frontotemporal dementia and/or amyotrophic lateral sclerosis 6. Last evaluated: 2026-01-26. Review status: criteria provided, single submitter. Criteria: Invitae Variant Classification Sherloc (09022015). Collection method: clinical testing. Allele origin: germline.

Athena Diagnostics
Classification: Benign. Last evaluated: 2024-10-22. Review status: criteria provided, single submitter. Criteria: Athena Diagnostics Criteria. Collection method: clinical testing. Allele origin: unknown.

Blueprint Genetics
Classification: Likely benign. Last evaluated: 2024-09-30. Review status: criteria provided, single submitter. Criteria: ACMG Guidelines, 2015. Collection method: clinical testing. Allele origin: germline.

GeneDx
Classification: Benign. Last evaluated: 2020-06-05. Review status: criteria provided, single submitter. Criteria: GeneDx Variant Classification Process June 2021. Collection method: clinical testing. Allele origin: germline. Affected: yes.

Ambry Genetics
Classification: Likely benign for Inborn genetic diseases. Last evaluated: 2019-07-11. Review status: criteria provided, single submitter. Criteria: Ambry Variant Classification Scheme 2023. Collection method: clinical testing. Allele origin: germline.

Illumina Laboratory Services, Illumina
Classification: Benign for Inclusion body myopathy with Paget disease of bone and frontotemporal dementia type 1. Last evaluated: 2018-01-13. Review status: criteria provided, single submitter. Criteria: ICSL Variant Classification Criteria 13 December 2019. Collection method: clinical testing. Allele origin: germline.
Comment: This variant was observed in the ICSL laboratory as part of a predisposition screen in an ostensibly healthy population. It had not been previously curated by ICSL or reported in the Human Gene Mutation Database (HGMD: prior to June 1st, 2018), and was therefore a candidate for classification through an automated scoring system. Utilizing variant allele frequency, disease prevalence and penetrance estimates, and inheritance mode, an automated score was calculated to assess if this variant is too frequent to cause the disease. Based on the score and internal cut-off values, a variant classified as benign is not then subjected to further curation. The score for this variant resulted in a classification of benign for this disease.

Illumina Laboratory Services, Illumina
Classification: Benign for Frontotemporal dementia and/or amyotrophic lateral sclerosis 6. Last evaluated: 2018-01-13. Review status: criteria provided, single submitter. Criteria: ICSL Variant Classification Criteria 13 December 2019. Collection method: clinical testing. Allele origin: germline.
Comment: the same text as in the submission from Illumina Laboratory Services, Illumina above.

Eurofins Ntd Llc (ga)
Classification: Benign. Last evaluated: 2017-08-08. Review status: criteria provided, single submitter. Criteria: EGL Classification Definitions 2015. Collection method: clinical testing. Allele origin: germline. Observed: 1 variant allele, 1 heterozygote.